The following is an entry in ClinVar:

ClinVar aggregate classification (germline): Uncertain significance (1 of 4 stars; one submission).

Conditions:
Dilated cardiomyopathy 1G (CMD1G). Identifiers: Orphanet 154, MedGen C1858763, MONDO:0011400, OMIM 604145.
Autosomal recessive limb-girdle muscular dystrophy type 2J (LGMDR10). Also called: MUSCULAR DYSTROPHY, LIMB-GIRDLE, AUTOSOMAL RECESSIVE 10; Limb-girdle muscular dystrophy, type 2J. Identifiers: Orphanet 140922, MedGen C1837342, MONDO:0012127, OMIM 608807.

Submission:

Labcorp Genetics (formerly Invitae), Labcorp
Classification: Uncertain significance for Dilated cardiomyopathy 1G; Autosomal recessive limb-girdle muscular dystrophy type 2J. Last evaluated: 2022-08-09. Review status: criteria provided, single submitter. Criteria: Invitae Variant Classification Sherloc (09022015). Collection method: clinical testing. Allele origin: germline.
Comment: Experimental studies and prediction algorithms are not available or were not evaluated, and the functional significance of this variant is currently unknown. This variant is located in the M band of TTN (PMID: 25589632). Variants in this region may be relevant for neuromuscular disorders, but have not been definitively shown to cause cardiomyopathy (PMID: 23975875). In summary, the available evidence is currently insufficient to determine the role of this variant in disease. Therefore, it has been classified as a Variant of Uncertain Significance. This variant has not been reported in the literature in individuals affected with TTN-related conditions. This sequence change replaces lysine, which is basic and polar, with arginine, which is basic and polar, at codon 35637 of the TTN protein (p.Lys35637Arg). This variant is not present in population databases (gnomAD no frequency).

Literature cited by the submitters: PubMed 25589632; PubMed 23975875.

NM_001267550.2(TTN):c.106910A>G (p.Lys35637Arg)

Genes: TTN-AS1 (TTN antisense RNA 1; plus strand), TTN (titin; minus strand). Cytogenetic location: 2q31.2.
Variant type: single nucleotide variant.
Coding change: c.106910A>G on transcript NM_001267550.2 (MANE Select); coding-DNA position 106910, A replaced by G.
Protein change: p.Lys35637Arg; replaces lysine 35637 with arginine.
Molecular consequence: missense variant.
Genome position (GRCh38, 1-based): chr2:178,528,841, T>C on the plus strand (A>G on the coding strand, the complement: TTN is on the minus strand). VCF-style: chr2-178528841-T-C. GRCh37 (hg19) VCF-style: chr2-179393568-T-C.
Other names: c.101987A>G, p.Lys33996Arg (NM_001256850.1); c.79715A>G, p.Lys26572Arg (NM_003319.4); c.99206A>G, p.Lys33069Arg (NM_133378.4); c.80090A>G, p.Lys26697Arg (NM_133432.3); c.80291A>G, p.Lys26764Arg (NM_133437.4); short protein forms K26572R, K26697R, K26764R, K33069R, K35637R, K33996R.
Identifiers: ClinVar variation 2132869 (VCV002132869.4), dbSNP rs2468302457, ClinGen allele CA349402681.
Genomic context (GRCh38, chr2:178,528,841, plus strand): 5'-CCTGAGACACCATATCGGTACTCCTCAGAGTTGGTAAGCTCTACGCCATTCAGTACCCAT[T>C]TCACATCAGTGGCACCAGCAATGTTGGCTTTTAAAACCAGTCTTTGACCTTCGTTTATGC-3'
Protein context (NP_001254479.2, residues 35627-35647): KANIAGATDV[Lys35637Arg]WVLNGVELTN